The following is an entry in ClinVar:

NM_025243.4(SLC19A3):c.980G>A (p.Gly327Glu)

Gene: SLC19A3 (solute carrier family 19 member 3; minus strand). Cytogenetic location: 2q36.3.
Variant type: single nucleotide variant.
Coding change: c.980G>A on transcript NM_025243.4 (MANE Select); coding-DNA position 980, G replaced by A.
Protein change: p.Gly327Glu; replaces glycine 327 with glutamic acid.
Molecular consequence: missense variant.
Genome position (GRCh38, 1-based): chr2:227,696,081, C>T on the plus strand (G>A on the coding strand, the complement: SLC19A3 is on the minus strand). VCF-style: chr2-227696081-C-T. GRCh37 (hg19) VCF-style: chr2-228560797-C-T.
Other names: c.980G>A, p.Gly327Glu (NM_001371411.1, NM_001371412.1); c.968G>A, p.Gly323Glu (NM_001371413.1, NM_001371414.1); short protein forms G323E, G327E.
Identifiers: ClinVar variation 1208061 (VCV001208061.8), dbSNP rs1248803297, ClinGen allele CA350876037.
Genomic context (GRCh38, chr2:227,696,081, plus strand): 5'-AGCTCTCCCAGAAGGTCCCAGTTGACTTTCACATAACCCACTGCAAAGGCAGCCACAGCC[C>T]CTGAAAAAAAACATTGAAGGCAATCAAACATAATGACTTTGCATGCAGGAAAATATCAAC-3'
Protein context (NP_079519.1, residues 317-337): GAVEAIATFG[Gly327Glu]AVAAFAVGYV

ClinVar aggregate classification (germline): Uncertain significance. Review status: criteria provided, multiple submitters, no conflicts (2 of 4 stars). 2 submissions from 2 submitters: Uncertain significance (2). Last evaluated 2023-06-29.

Conditions:
Biotin-responsive basal ganglia disease (BTBGD). Also called: Thiamine Transporter-2 Deficiency; Thiamine metabolism dysfunction syndrome 2 (biotin- or thiamine-responsive encephalopathy type 2); thiamine-responsive encephalopathy; THIAMINE METABOLISM DYSFUNCTION SYNDROME 2 (BIOTIN- AND THIAMINE-RESPONSIVE TYPE); Thiamine metabolism dysfunction syndrome type 2. Identifiers: Orphanet 199348, Orphanet 65284, MedGen C1843807, MONDO:0011841, OMIM 607483.

Allele frequency attached by ClinVar (database versions not stated): gnomAD exomes 0.00005.
gnomAD v4.1: 1 of 1,502,426 alleles (0.000067%); highest among the groups gnomAD compares: Non-Finnish European, 0.000089%; no homozygotes.

Submissions (2):

Labcorp Genetics (formerly Invitae), Labcorp
Classification: Uncertain significance for Biotin-responsive basal ganglia disease. Last evaluated: 2023-06-29. Review status: criteria provided, single submitter. Criteria: Invitae Variant Classification Sherloc (09022015). Collection method: clinical testing. Allele origin: germline.
Comment: In summary, the available evidence is currently insufficient to determine the role of this variant in disease. Therefore, it has been classified as a Variant of Uncertain Significance. An algorithm developed to predict the effect of missense changes on protein structure and function (PolyPhen-2) suggests that this variant is likely to be disruptive. ClinVar contains an entry for this variant (Variation ID: 1208061). This variant has not been reported in the literature in individuals affected with SLC19A3-related conditions. This variant is present in population databases (no rsID available, gnomAD 0.01%). This sequence change replaces glycine, which is neutral and non-polar, with glutamic acid, which is acidic and polar, at codon 327 of the SLC19A3 protein (p.Gly327Glu).

GeneDx
Classification: Uncertain significance. Last evaluated: 2019-12-02. Review status: criteria provided, single submitter. Criteria: GeneDx Variant Classification Process June 2021. Collection method: clinical testing. Allele origin: germline. Affected: yes.
Comment: In silico analysis predict that this variant creates a cryptic acceptor site and may lead to abnormal gene splicing; In the absence of RNA/functional studies, the actual effect of this sequence change is unknown; In silico analysis, which includes protein predictors and evolutionary conservation, supports a deleterious effect; Has not been previously published as pathogenic or benign to our knowledge; Not observed at a significant frequency in large population cohorts (Lek et al., 2016)